The following is an entry in ClinVar:

ClinVar aggregate classification (germline): Uncertain significance (1 of 4 stars; one submission).

Submission:

Ambry Genetics
Classification: Uncertain significance. Last evaluated: 2025-02-01. Review status: criteria provided, single submitter. Criteria: Ambry Variant Classification Scheme 2023. Collection method: clinical testing. Allele origin: germline.
Comment: The p.P1770L variant (also known as c.5309C>T), located in coding exon 22 of the WNK2 gene, results from a C to T substitution at nucleotide position 5309. The proline at codon 1770 is replaced by leucine, an amino acid with similar properties. This amino acid position is conserved. In addition, the in silico prediction for this alteration is inconclusive. Based on the available evidence, the clinical significance of this variant remains unclear.

NM_006648.4(WNK2):c.5309C>T (p.Pro1770Leu)

Gene: WNK2 (WNK lysine deficient protein kinase 2; plus strand). Cytogenetic location: 9q22.31.
Variant type: single nucleotide variant.
Coding change: c.5309C>T on transcript NM_006648.4 (MANE Select); coding-DNA position 5309, C replaced by T.
Protein change: p.Pro1770Leu; replaces proline 1770 with leucine.
Molecular consequence: missense variant.
Genome position (GRCh38, 1-based): chr9:93,292,774, C>T. VCF-style: chr9-93292774-C-T. GRCh37 (hg19) VCF-style: chr9-96055056-C-T.
Other names: c.5420C>T, p.Pro1807Leu (NM_001282394.3); short protein forms P1770L, P1807L.
Identifiers: ClinVar variation 3816959 (VCV003816959.1).